The following is an entry in ClinVar:

NM_004006.3(DMD):c.10123G>A (p.Val3375Ile)

Gene: DMD (dystrophin; minus strand). Cytogenetic location: Xp21.2.
Variant type: single nucleotide variant.
Coding change: c.10123G>A on transcript NM_004006.3 (MANE Select); coding-DNA position 10123, G replaced by A.
Protein change: p.Val3375Ile; replaces valine 3375 with isoleucine.
Molecular consequence: missense variant.
Genome position (GRCh38, 1-based): chrX:31,178,769, C>T on the plus strand (G>A on the coding strand, the complement: DMD is on the minus strand). VCF-style: chrX-31178769-C-T. GRCh37 (hg19) VCF-style: chrX-31196886-C-T.
Other names: c.10099G>A, p.Val3367Ile (NM_000109.4); c.10111G>A, p.Val3371Ile (NM_004009.3); c.9754G>A, p.Val3252Ile (NM_004010.3); c.6100G>A, p.Val2034Ile (NM_004011.4); c.6091G>A, p.Val2031Ile (NM_004012.4); c.2743G>A, p.Val915Ile (NM_004013.3, NM_004020.4, NM_004021.3 and 2 more transcripts); c.1936G>A, p.Val646Ile (NM_004014.3); c.919G>A, p.Val307Ile (NM_004015.3, NM_004016.3, NM_004017.3 and 2 more transcripts); short protein forms V307I, V915I, V2031I, V2034I, V3367I, V3371I, V3252I, V3375I.
Identifiers: ClinVar variation 863981 (VCV000863981.11), dbSNP rs2040830883, ClinGen allele CA412652890.
Genomic context (GRCh38, chrX:31,178,769, plus strand): 5'-GGTAGCCCATTCGGGGATGCTTCGCAAAATACCTTTTGGTTCGAAATTTGTTTTTTAGTA[C>T]CTTGGCAAAGTCTCGAACATCTTCTCCTGATGTAGTCTAAAAGGGAGATCATGGTGAGAT-3'
Protein context (NP_003997.2, residues 3365-3385): SGEDVRDFAK[Val3375Ile]LKNKFRTKRY

ClinVar aggregate classification (germline): Uncertain significance (1 of 4 stars; one submission).

Conditions:
Duchenne muscular dystrophy (DMD). Also called: Duchenne Muscular Dystrophy (DMD); MUSCULAR DYSTROPHY, PSEUDOHYPERTROPHIC PROGRESSIVE, DUCHENNE TYPE. Identifiers: Orphanet 98896, MedGen C0013264, MONDO:0010679, OMIM 310200.

Submission:

Labcorp Genetics (formerly Invitae), Labcorp
Classification: Uncertain significance for Duchenne muscular dystrophy. Last evaluated: 2019-12-22. Review status: criteria provided, single submitter. Criteria: Invitae Variant Classification Sherloc (09022015). Collection method: clinical testing. Allele origin: germline.
Comment: In summary, the available evidence is currently insufficient to determine the role of this variant in disease. Therefore, it has been classified as a Variant of Uncertain Significance. Algorithms developed to predict the effect of missense changes on protein structure and function (SIFT, PolyPhen-2, Align-GVGD) all suggest that this variant is likely to be tolerated, but these predictions have not been confirmed by published functional studies and their clinical significance is uncertain. This variant has not been reported in the literature in individuals with DMD-related conditions. This variant is not present in population databases (ExAC no frequency). This sequence change replaces valine with isoleucine at codon 3375 of the DMD protein (p.Val3375Ile). The valine residue is highly conserved and there is a small physicochemical difference between valine and isoleucine.